The following is an entry in ClinVar:

ClinVar aggregate classification (germline): Benign/Likely benign. Review status: criteria provided, multiple submitters, no conflicts (2 of 4 stars). 4 submissions from 4 submitters: Benign (1); Likely benign (2). 1 of the submissions does not count toward it. Last evaluated 2024-12-23.

Conditions:
C1R-related disorder. Also called: C1R-related condition.

Allele frequency attached by ClinVar (database versions not stated): gnomAD 0.00003; TOPMed 0.00003; gnomAD exomes 0.00005 and 0.00006; ESP Exome Variant Server 0.00008; ExAC 0.00010; 1000 Genomes Project 30x 0.00016; 1000 Genomes Project 0.00020.
gnomAD v4.1: 37 of 777,910 alleles (0.0048%); highest among the groups gnomAD compares: Admixed American, 0.017%; no homozygotes.

Submissions (4):

Women's Health and Genetics/Laboratory Corporation of America, LabCorp
Classification: Benign. Last evaluated: 2024-12-23. Review status: criteria provided, single submitter. Criteria: LabCorp Variant Classification Summary - May 2015. Collection method: clinical testing. Allele origin: germline.

Blueprint Genetics
Classification: Likely benign. Last evaluated: 2024-10-03. Review status: criteria provided, single submitter. Criteria: ACMG Guidelines, 2015. Collection method: clinical testing. Allele origin: germline.

CeGaT Center for Human Genetics Tuebingen
Classification: Likely benign. Last evaluated: 2022-04-01. Review status: criteria provided, single submitter. Criteria: CeGaT Center For Human Genetics Tuebingen Variant Classification Criteria Version 2. Collection method: clinical testing. Allele origin: germline. Affected: yes. Observed: 1 variant allele.
Comment: C1R: BP4, BP7

PreventionGenetics, part of Exact Sciences
Classification: Likely benign for C1R-related condition. Last evaluated: 2023-02-21. Review status: no assertion criteria provided. Collection method: clinical testing. Allele origin: germline. Not counted in ClinVar's aggregate classification.
Comment: This variant is classified as likely benign based on ACMG/AMP sequence variant interpretation guidelines (Richards et al. 2015 PMID: 25741868, with internal and published modifications).

NM_001733.7(C1R):c.366C>T (p.Asn122=)

Gene: C1R (complement C1r; minus strand). Cytogenetic location: 12p13.31.
Variant type: single nucleotide variant.
Coding change: c.366C>T on transcript NM_001733.7 (MANE Select); coding-DNA position 366, C replaced by T.
Protein change: p.Asn122=; no amino-acid change (asparagine 122 retained).
Molecular consequence: synonymous variant.
Genome position (GRCh38, 1-based): chr12:7,090,114, G>A on the plus strand (C>T on the coding strand, the complement: C1R is on the minus strand). VCF-style: chr12-7090114-G-A. GRCh37 (hg19) VCF-style: chr12-7242710-G-A.
Other names: c.408C>T, p.Asn136= (NM_001354346.2); c.366C>T (NM_001733.4).
Identifiers: ClinVar variation 1694658 (VCV001694658.34), dbSNP rs150953301, ClinGen allele CA6424270.